The following is an entry in ClinVar:

NM_001276270.2(MBD4):c.535A>G (p.Arg179Gly)

Gene: MBD4 (methyl-CpG binding domain 4, DNA glycosylase; minus strand). Cytogenetic location: 3q21.3.
Variant type: single nucleotide variant.
Coding change: c.535A>G on transcript NM_001276270.2 (MANE Select); coding-DNA position 535, A replaced by G.
Protein change: p.Arg179Gly; replaces arginine 179 with glycine.
Molecular consequence: missense variant. On other transcripts: intron variant (1).
Genome position (GRCh38, 1-based): chr3:129,437,109, T>C on the plus strand (A>G on the coding strand, the complement: MBD4 is on the minus strand). VCF-style: chr3-129437109-T-C. GRCh37 (hg19) VCF-style: chr3-129155952-T-C.
Other names: c.535A>G, p.Arg179Gly (NM_001276271.2, NM_001276272.2, NM_003925.3); c.247+699A>G (NM_001276273.2); short protein forms R179G.
Identifiers: ClinVar variation 5024018 (VCV005024018.1).

ClinVar aggregate classification (germline): Uncertain significance (1 of 4 stars; one submission).

Conditions:
Inborn genetic diseases. Identifiers: MedGen C0950123, MeSH D030342.

Submission:

Ambry Genetics
Classification: Uncertain significance for Inborn genetic diseases. Last evaluated: 2026-07-11. Review status: criteria provided, single submitter. Criteria: Ambry Variant Classification Scheme 2023. Collection method: clinical testing. Allele origin: germline.
Comment: The p.R179G variant (also known as c.535A>G), located in coding exon 3 of the MBD4 gene, results from an A to G substitution at nucleotide position 535. The arginine at codon 179 is replaced by glycine, an amino acid with dissimilar properties. This amino acid position is conserved. In addition, the in silico prediction for this alteration is inconclusive. Based on the available evidence, the clinical significance of this variant remains unclear.